The following is an entry in ClinVar:

ClinVar aggregate classification (germline): Uncertain significance (1 of 4 stars; one submission).

Conditions:
Epidermolysis bullosa simplex 3, localized or generalized intermediate, with BP230 deficiency (EBS3). Also called: Epidermolysis bullosa simplex due to BP230 deficiency; Epidermolysis bullosa simplex, autosomal recessive 2. Identifiers: Orphanet 412181, MedGen C3809470, MONDO:0014180, OMIM 615425.
Hereditary sensory and autonomic neuropathy type 6. Also called: HSAN VI; Neuropathy, hereditary sensory and autonomic, type VI. Identifiers: Orphanet 314381, MedGen C3539003, MONDO:0013839, OMIM 614653.

Allele frequency attached by ClinVar (database versions not stated): TOPMed 0.00002; gnomAD 0.00003 and 0.00004.
gnomAD v4.1: 51 of 1,613,970 alleles (0.0032%); highest among the groups gnomAD compares: Admixed American, 0.005%; no homozygotes.

Submission:

Labcorp Genetics (formerly Invitae), Labcorp
Classification: Uncertain significance for Epidermolysis bullosa simplex 3, localized or generalized intermediate, with BP230 deficiency; Hereditary sensory and autonomic neuropathy type 6. Last evaluated: 2022-03-18. Review status: criteria provided, single submitter. Criteria: Invitae Variant Classification Sherloc (09022015). Collection method: clinical testing. Allele origin: germline.
Comment: This sequence change replaces glutamine, which is neutral and polar, with glutamic acid, which is acidic and polar, at codon 2409 of the DST protein (p.Gln2409Glu). This variant is present in population databases (no rsID available, gnomAD 0.003%). This variant has not been reported in the literature in individuals affected with DST-related conditions. ClinVar contains an entry for this variant (Variation ID: 568196). Algorithms developed to predict the effect of missense changes on protein structure and function are either unavailable or do not agree on the potential impact of this missense change (SIFT: "Tolerated"; PolyPhen-2: "Probably Damaging"; Align-GVGD: "Class C0"). In summary, the available evidence is currently insufficient to determine the role of this variant in disease. Therefore, it has been classified as a Variant of Uncertain Significance.

NM_001723.7(DST):c.7225C>G (p.Gln2409Glu)

Gene: DST (dystonin; minus strand). Cytogenetic location: 6p12.1.
Variant type: single nucleotide variant.
Coding change: c.7225C>G on transcript NM_001723.7 (MANE Plus Clinical); coding-DNA position 7225, C replaced by G.
Protein change: p.Gln2409Glu; replaces glutamine 2409 with glutamic acid.
Molecular consequence: missense variant. On other transcripts: intron variant (10).
Genome position (GRCh38, 1-based): chr6:56,616,242, G>C on the plus strand (C>G on the coding strand, the complement: DST is on the minus strand). VCF-style: chr6-56616242-G-C. GRCh37 (hg19) VCF-style: chr6-56481040-G-C.
Other names: c.4831-1758C>G (NM_001144769.5); c.4930-1758C>G (NM_001374722.1, NM_001374736.1); c.4957-1758C>G (NM_001374734.1); c.4417-1758C>G (NM_001144770.2); c.4297-1758C>G (NM_001374730.1, NM_001386100.1, NM_183380.4 and 1 more transcripts); c.3319-1758C>G (NM_015548.5); short protein forms Q2409E.
Identifiers: ClinVar variation 568196 (VCV000568196.9), dbSNP rs775274894, ClinGen allele CA364563442.
Genomic context (GRCh38, chr6:56,616,242, plus strand): 5'-CTGTAAGTGTGATGAGGCCTTCCTGATACTTTTTGACCAAGGCTTTGTCAATTGTTCCCT[G>C]CTCTATAGCCTCATTAATATTGAAGTGTAATCCTGTTTTAGTATCAGTCAGCATATGAGA-3'
Protein context (NP_001714.1, residues 2399-2419): LHFNINEAIE[Gln2409Glu]GTIDKALVKK